The following is an entry in ClinVar:

NM_031407.7(HUWE1):c.3647T>C (p.Leu1216Pro)

Genes: HUWE1 (HECT, UBA and WWE domain containing E3 ubiquitin protein ligase 1; minus strand), LOC126863263 (BRD4-independent group 4 enhancer GRCh37_chrX:53619238-53620437; plus strand). Cytogenetic location: Xp11.22.
Variant type: single nucleotide variant.
Coding change: c.3647T>C on transcript NM_031407.7 (MANE Select); coding-DNA position 3647, T replaced by C.
Protein change: p.Leu1216Pro; replaces leucine 1216 with proline.
Molecular consequence: missense variant.
Genome position (GRCh38, 1-based): chrX:53,593,458, A>G on the plus strand (T>C on the coding strand, the complement: HUWE1 is on the minus strand). VCF-style: chrX-53593458-A-G. GRCh37 (hg19) VCF-style: chrX-53620418-A-G.
Other names: c.3647T>C, p.Leu1216Pro (NM_001441048.1, NM_001441049.1, NM_001441051.1 and 6 more transcripts); c.3668T>C, p.Leu1223Pro (NM_001441050.1, NM_001441055.1); short protein forms L1216P, L1223P.
Identifiers: ClinVar variation 4795567 (VCV004795567.1).

ClinVar aggregate classification (germline): Uncertain significance (1 of 4 stars; one submission).

Submission:

GeneDx
Classification: Uncertain significance. Last evaluated: 2025-08-14. Review status: criteria provided, single submitter. Criteria: GeneDx Variant Classification Process June 2021. Collection method: clinical testing. Allele origin: germline. Affected: yes.
Comment: Not observed at significant frequency in large population cohorts (gnomAD); In silico analysis supports that this missense variant has a deleterious effect on protein structure/function; Has not been previously published as pathogenic or benign to our knowledge